The following is an entry in ClinVar:

ClinVar aggregate classification (germline): Uncertain significance (1 of 4 stars; one submission).

Allele frequency attached by ClinVar (database versions not stated): gnomAD exomes below 0.00001; gnomAD 0.00001.
gnomAD v4.1: 2 of 1,612,818 alleles (0.00012%); highest among the groups gnomAD compares: Non-Finnish European, 0.00017%; no homozygotes.

Submission:

Labcorp Genetics (formerly Invitae), Labcorp
Classification: Uncertain significance. Last evaluated: 2022-09-13. Review status: criteria provided, single submitter. Criteria: Invitae Variant Classification Sherloc (09022015). Collection method: clinical testing. Allele origin: germline.
Comment: In summary, the available evidence is currently insufficient to determine the role of this variant in disease. Therefore, it has been classified as a Variant of Uncertain Significance. Algorithms developed to predict the effect of missense changes on protein structure and function output the following: SIFT: "Tolerated"; PolyPhen-2: "Benign"; Align-GVGD: "Class C0". The alanine amino acid residue is found in multiple mammalian species, which suggests that this missense change does not adversely affect protein function. This variant has not been reported in the literature in individuals affected with NFIA-related conditions. This variant is not present in population databases (gnomAD no frequency). This sequence change replaces threonine, which is neutral and polar, with alanine, which is neutral and non-polar, at codon 460 of the NFIA protein (p.Thr460Ala).

NM_001134673.4(NFIA):c.1378A>G (p.Thr460Ala)

Gene: NFIA (nuclear factor I A; plus strand). Cytogenetic location: 1p31.3.
Variant type: single nucleotide variant.
Coding change: c.1378A>G on transcript NM_001134673.4 (MANE Select); coding-DNA position 1378, A replaced by G.
Protein change: p.Thr460Ala; replaces threonine 460 with alanine.
Molecular consequence: missense variant.
Genome position (GRCh38, 1-based): chr1:61,406,685, A>G. VCF-style: chr1-61406685-A-G. GRCh37 (hg19) VCF-style: chr1-61872357-A-G.
Other names: c.1354A>G, p.Thr452Ala (NM_001145511.2); c.1513A>G, p.Thr505Ala (NM_001145512.2); c.1378A>G, p.Thr460Ala (NM_005595.5); short protein forms T505A, T452A, T460A.
Identifiers: ClinVar variation 2128383 (VCV002128383.4), dbSNP rs1665852816, ClinGen allele CA340589667.